The following is an entry in ClinVar:

NM_001130823.3(DNMT1):c.3117-288T>C

Gene: DNMT1 (DNA methyltransferase 1; minus strand). Cytogenetic location: 19p13.2.
Variant type: single nucleotide variant.
Coding change: c.3117-288T>C on transcript NM_001130823.3 (MANE Select); 288 bases into the intron before coding-DNA position 3117, T replaced by C.
Molecular consequence: intron variant.
Genome position (GRCh38, 1-based): chr19:10,142,508, A>G on the plus strand (T>C on the coding strand, the complement: DNMT1 is on the minus strand). VCF-style: chr19-10142508-A-G. GRCh37 (hg19) VCF-style: chr19-10253184-A-G.
Other names: c.2754-288T>C (NM_001318731.2); c.3069-288T>C (NM_001379.4, NM_001318730.2).
Identifiers: ClinVar variation 680553 (VCV000680553.1), dbSNP rs35863536, ClinGen allele CA14683215.

ClinVar aggregate classification (germline): Benign (1 of 4 stars; one submission).

Allele frequency attached by ClinVar (database versions not stated): gnomAD 0.22124 and 0.22306; 1000 Genomes Project 30x 0.15771; 1000 Genomes Project 0.16274; TOPMed 0.20574.
gnomAD v4.1: 33,357 of 149,228 alleles (22%); highest among the groups gnomAD compares: Non-Finnish European, 32%; 4,723 homozygotes.

Submission:

GeneDx
Classification: Benign. Last evaluated: 2018-06-19. Review status: criteria provided, single submitter. Criteria: GeneDx Variant Classification (06012015). Collection method: clinical testing. Allele origin: germline. Affected: yes.
Comment: This variant is considered likely benign or benign based on one or more of the following criteria: it is a conservative change, it occurs at a poorly conserved position in the protein, it is predicted to be benign by multiple in silico algorithms, and/or has population frequency not consistent with disease.